The following is an entry in ClinVar:

NM_024306.5(FA2H):c.244G>C (p.Val82Leu)

Gene: FA2H (fatty acid 2-hydroxylase; minus strand). Cytogenetic location: 16q23.1.
Variant type: single nucleotide variant.
Coding change: c.244G>C on transcript NM_024306.5 (MANE Select); coding-DNA position 244, G replaced by C.
Protein change: p.Val82Leu; replaces valine 82 with leucine.
Molecular consequence: missense variant.
Genome position (GRCh38, 1-based): chr16:74,774,512, C>G on the plus strand (G>C on the coding strand, the complement: FA2H is on the minus strand). VCF-style: chr16-74774512-C-G. GRCh37 (hg19) VCF-style: chr16-74808410-C-G.
Other names: short protein forms V82L.
Identifiers: ClinVar variation 2153744 (VCV002153744.4), dbSNP rs942823747, ClinGen allele CA283769914.

ClinVar aggregate classification (germline): Uncertain significance (1 of 4 stars; one submission).

Conditions:
Spastic paraplegia. Identifiers: MedGen C0037772, HP:0001258.

Allele frequency attached by ClinVar (database versions not stated): gnomAD exomes below 0.00001; TOPMed 0.00005.
gnomAD v4.1: 8 of 1,553,370 alleles (0.00052%); highest among the groups gnomAD compares: African/African-American, 0.011%; no homozygotes.

Submission:

Labcorp Genetics (formerly Invitae), Labcorp
Classification: Uncertain significance for Spastic paraplegia. Last evaluated: 2021-12-24. Review status: criteria provided, single submitter. Criteria: Invitae Variant Classification Sherloc (09022015). Collection method: clinical testing. Allele origin: germline.
Comment: This sequence change replaces valine, which is neutral and non-polar, with leucine, which is neutral and non-polar, at codon 82 of the FA2H protein (p.Val82Leu). This variant is not present in population databases (gnomAD no frequency). This variant has not been reported in the literature in individuals affected with FA2H-related conditions. Advanced modeling of protein sequence and biophysical properties (such as structural, functional, and spatial information, amino acid conservation, physicochemical variation, residue mobility, and thermodynamic stability) performed at Invitae indicates that this missense variant is not expected to disrupt FA2H protein function. In summary, the available evidence is currently insufficient to determine the role of this variant in disease. Therefore, it has been classified as a Variant of Uncertain Significance.